The following is an entry in ClinVar:

ClinVar aggregate classification (germline): Uncertain significance (1 of 4 stars; one submission).

Conditions:
Hereditary cancer-predisposing syndrome. Also called: Neoplastic Syndromes, Hereditary; Tumor predisposition; Hereditary neoplastic syndrome; Hereditary Cancer Syndrome. Identifiers: Orphanet 140162, MedGen C0027672, MeSH D009386, MONDO:0015356.

Submission:

Ambry Genetics
Classification: Uncertain significance for Hereditary cancer-predisposing syndrome. Last evaluated: 2026-07-07. Review status: criteria provided, single submitter. Criteria: Ambry Variant Classification Scheme 2023. Collection method: clinical testing. Allele origin: germline.
Comment: The p.V1164L variant (also known as c.3490G>T), located in coding exon 6 of the MSH6 gene, results from a G to T substitution at nucleotide position 3490. The valine at codon 1164 is replaced by leucine, an amino acid with highly similar properties. This amino acid position is conserved. In addition, this alteration is predicted to be tolerated by in silico analysis. Based on the available evidence, the clinical significance of this variant remains unclear.

NM_000179.3(MSH6):c.3490G>T (p.Val1164Leu)

Gene: MSH6 (mutS homolog 6; plus strand). Cytogenetic location: 2p16.3.
Variant type: single nucleotide variant.
Coding change: c.3490G>T on transcript NM_000179.3 (MANE Select); coding-DNA position 3490, G replaced by T.
Protein change: p.Val1164Leu; replaces valine 1164 with leucine.
Molecular consequence: missense variant. On other transcripts: non-coding transcript variant (4).
Genome position (GRCh38, 1-based): chr2:47,804,961, G>T. VCF-style: chr2-47804961-G-T. GRCh37 (hg19) VCF-style: chr2-48032100-G-T.
Other names: c.3100G>T, p.Val1034Leu (NM_001281492.2); c.2584G>T, p.Val862Leu (NM_001281493.2, NM_001281494.2, NM_001406811.1 and 6 more transcripts); c.3586G>T, p.Val1196Leu (NM_001406795.1, NM_001406802.1); c.3490G>T, p.Val1164Leu (NM_001406796.1, NM_001406800.1, NM_001406808.1 and 1 more transcripts); c.3193G>T, p.Val1065Leu (NM_001406797.1, NM_001406801.1, NM_001406805.1 and 10 more transcripts); c.3316G>T, p.Val1106Leu (NM_001406798.1); c.2965G>T, p.Val989Leu (NM_001406799.1, NM_001406806.1, NM_001406807.1); c.2626G>T, p.Val876Leu (NM_001406803.1); and 7 more; short protein forms V1034L, V1196L, V989L, V1065L, V1106L, V1138L, V642L, V862L.
Identifiers: ClinVar variation 5024908 (VCV005024908.1).